The following is an entry in ClinVar:

NM_001195518.2(MICU1):c.53G>A (p.Arg18Gln)

Gene: MICU1 (mitochondrial calcium uptake 1; minus strand). Cytogenetic location: 10q22.1.
Variant type: single nucleotide variant.
Coding change: c.53G>A on transcript NM_001195518.2 (MANE Select); coding-DNA position 53, G replaced by A.
Protein change: p.Arg18Gln; replaces arginine 18 with glutamine.
Molecular consequence: missense variant.
Genome position (GRCh38, 1-based): chr10:72,566,741, C>T on the plus strand (G>A on the coding strand, the complement: MICU1 is on the minus strand). VCF-style: chr10-72566741-C-T. GRCh37 (hg19) VCF-style: chr10-74326499-C-T.
Other names: c.53G>A, p.Arg18Gln (NM_001363513.2, NM_006077.4); c.53G>A (NM_006077.3); short protein forms R18Q.
Identifiers: ClinVar variation 1902988 (VCV001902988.3), dbSNP rs374389338, ClinGen allele CA5550364.

ClinVar aggregate classification (germline): Uncertain significance. Review status: criteria provided, multiple submitters, no conflicts (2 of 4 stars). 2 submissions from 2 submitters: Uncertain significance (2). Last evaluated 2025-08-02.

Conditions:
Inborn genetic diseases. Identifiers: MedGen C0950123, MeSH D030342.

Allele frequency attached by ClinVar (database versions not stated): ExAC 0.00001; TOPMed 0.00002; gnomAD 0.00003; ESP Exome Variant Server 0.00008.
gnomAD v4.1: 21 of 1,612,488 alleles (0.0013%); highest among the groups gnomAD compares: Non-Finnish European, 0.0015%; no homozygotes.

Submissions (2):

Ambry Genetics
Classification: Uncertain significance for Inborn genetic diseases. Last evaluated: 2025-08-02. Review status: criteria provided, single submitter. Criteria: Ambry Variant Classification Scheme 2023. Collection method: clinical testing. Allele origin: germline.

Labcorp Genetics (formerly Invitae), Labcorp
Classification: Uncertain significance. Last evaluated: 2021-12-21. Review status: criteria provided, single submitter. Criteria: Invitae Variant Classification Sherloc (09022015). Collection method: clinical testing. Allele origin: germline.
Comment: This sequence change replaces arginine, which is basic and polar, with glutamine, which is neutral and polar, at codon 18 of the MICU1 protein (p.Arg18Gln). The frequency data for this variant in the population databases is considered unreliable, as metrics indicate poor data quality at this position in the gnomAD database. This variant has not been reported in the literature in individuals affected with MICU1-related conditions. Algorithms developed to predict the effect of missense changes on protein structure and function are either unavailable or do not agree on the potential impact of this missense change (SIFT: "Deleterious"; PolyPhen-2: "Not Available"; Align-GVGD: "Class C0"). In summary, the available evidence is currently insufficient to determine the role of this variant in disease. Therefore, it has been classified as a Variant of Uncertain Significance.